The following is an entry in ClinVar:

NM_001041.4(SI):c.1598-7C>G

Gene: SI (sucrase-isomaltase; minus strand). Cytogenetic location: 3q26.1.
Variant type: single nucleotide variant.
Coding change: c.1598-7C>G on transcript NM_001041.4 (MANE Select); 7 bases into the intron before coding-DNA position 1598, C replaced by G.
Molecular consequence: intron variant.
Genome position (GRCh38, 1-based): chr3:165,049,251, G>C on the plus strand (C>G on the coding strand, the complement: SI is on the minus strand). VCF-style: chr3-165049251-G-C. GRCh37 (hg19) VCF-style: chr3-164767039-G-C.
Identifiers: ClinVar variation 2178497 (VCV002178497.4), dbSNP rs2473378583, ClinGen allele CA2580069021.

ClinVar aggregate classification (germline): Uncertain significance (1 of 4 stars; one submission).

Submission:

Labcorp Genetics (formerly Invitae), Labcorp
Classification: Uncertain significance. Last evaluated: 2022-04-02. Review status: criteria provided, single submitter. Criteria: Invitae Variant Classification Sherloc (09022015). Collection method: clinical testing. Allele origin: germline.
Comment: This variant is not present in population databases (gnomAD no frequency). This sequence change falls in intron 14 of the SI gene. It does not directly change the encoded amino acid sequence of the SI protein. This variant has not been reported in the literature in individuals affected with SI-related conditions. Algorithms developed to predict the effect of sequence changes on RNA splicing suggest that this variant may disrupt the consensus splice site. In summary, the available evidence is currently insufficient to determine the role of this variant in disease. Therefore, it has been classified as a Variant of Uncertain Significance.